The following is an entry in ClinVar:

NM_022893.4(BCL11A):c.1295C>T (p.Ser432Phe)

Gene: BCL11A (BCL11 transcription factor A; minus strand). Cytogenetic location: 2p16.1.
Variant type: single nucleotide variant.
Coding change: c.1295C>T on transcript NM_022893.4 (MANE Select); coding-DNA position 1295, C replaced by T.
Protein change: p.Ser432Phe; replaces serine 432 with phenylalanine.
Molecular consequence: missense variant. On other transcripts: intron variant (6).
Genome position (GRCh38, 1-based): chr2:60,461,617, G>A on the plus strand (C>T on the coding strand, the complement: BCL11A is on the minus strand). VCF-style: chr2-60461617-G-A. GRCh37 (hg19) VCF-style: chr2-60688752-G-A.
Other names: c.1193C>T, p.Ser398Phe (NM_001363864.1, NM_001365609.1, NM_001405711.1 and 2 more transcripts); c.1295C>T, p.Ser432Phe (NM_001405708.1, NM_001405709.1, NM_001405710.1 and 1 more transcripts); c.1139C>T, p.Ser380Phe (NM_001405713.1, NM_001405714.1, NM_001405715.1 and 3 more transcripts); c.1037C>T, p.Ser346Phe (NM_001405717.1, NM_001405718.1, NM_001405724.1); c.962C>T, p.Ser321Phe (NM_001405720.1, NM_001405721.1); c.839C>T, p.Ser280Phe (NM_001405725.1, NM_001405726.1, NM_001405727.1 and 1 more transcripts); c.602C>T, p.Ser201Phe (NM_001405729.1); c.758C>T, p.Ser253Phe (NM_001405730.1); and 5 more; short protein forms S101F, S280F, S321F, S432F, S201F, S346F, S398F, S380F.
Identifiers: ClinVar variation 2136059 (VCV002136059.1), dbSNP rs2466239752, ClinGen allele CA347038321.

ClinVar aggregate classification (germline): Uncertain significance (1 of 4 stars; one submission).

Submission:

GeneDx
Classification: Uncertain significance. Last evaluated: 2022-07-20. Review status: criteria provided, single submitter. Criteria: GeneDx Variant Classification Process June 2021. Collection method: clinical testing. Allele origin: germline. Affected: yes.
Comment: Not observed at significant frequency in large population cohorts (gnomAD); In silico analysis supports that this missense variant has a deleterious effect on protein structure/function; Has not been previously published as pathogenic or benign to our knowledge